The following is an entry in ClinVar:

NC_000014.8:g.(?_21769105)_(21794352_?)dup

Gene: RPGRIP1 (RPGR interacting protein 1; plus strand). Cytogenetic location: 14q11.2.
Variant type: Duplication.
Identifiers: ClinVar variation 2426545 (VCV002426545.4).

ClinVar aggregate classification (germline): Likely pathogenic (1 of 4 stars; one submission).

Conditions:
Leber congenital amaurosis 6 (LCA6). Identifiers: Orphanet 65, MedGen C1854260, MONDO:0013446, OMIM 613826.
Cone-rod dystrophy 13 (CORD13). Identifiers: Orphanet 1872, MedGen C2750720, MONDO:0011987, OMIM 608194.

Submission:

Labcorp Genetics (formerly Invitae), Labcorp
Classification: Likely pathogenic for Leber congenital amaurosis 6; Cone-rod dystrophy 13. Last evaluated: 2023-12-11. Review status: criteria provided, single submitter. Criteria: Invitae Variant Classification Sherloc (09022015). Collection method: clinical testing. Allele origin: germline.
Comment: This variant results in a copy number gain of the genomic region encompassing exon(s) 3-16 of the RPGRIP1 gene. While the exact position of this variant cannot be determined from the data, sub-genic copy number gains are generally in tandem (PMID: 25640679). This variant is predicted to be out-of-frame, and may result in an absent or disrupted protein product. Loss-of-function variants in RPGRIP1 are known to be pathogenic (PMID: 11528500, 23105016). This variant has not been reported in the literature in individuals affected with RPGRIP1-related conditions. In summary, the currently available evidence indicates that the variant is pathogenic, but additional data are needed to prove that conclusively. Therefore, this variant has been classified as Likely Pathogenic.

Literature cited by the submitters: PubMed 25640679; PubMed 11528500; PubMed 23105016.